The following is an entry in ClinVar:

ClinVar aggregate classification (germline): Uncertain significance (1 of 4 stars; one submission).

Allele frequency attached by ClinVar (database versions not stated): gnomAD exomes below 0.00001.
gnomAD v4.1: 1 of 1,614,018 alleles (0.000062%); highest among the groups gnomAD compares: Non-Finnish European, 0.000085%; no homozygotes.

Submission:

Labcorp Genetics (formerly Invitae), Labcorp
Classification: Uncertain significance. Last evaluated: 2021-10-17. Review status: criteria provided, single submitter. Criteria: Invitae Variant Classification Sherloc (09022015). Collection method: clinical testing. Allele origin: germline.
Comment: In summary, the available evidence is currently insufficient to determine the role of this variant in disease. Therefore, it has been classified as a Variant of Uncertain Significance. Variants that disrupt the consensus splice site are a relatively common cause of aberrant splicing (PMID: 17576681, 9536098). Algorithms developed to predict the effect of sequence changes on RNA splicing suggest that this variant may disrupt the consensus splice site. This variant has not been reported in the literature in individuals affected with CERKL-related conditions. This variant is not present in population databases (ExAC no frequency). This sequence change falls in intron 10 of the CERKL gene. It does not directly change the encoded amino acid sequence of the CERKL protein. It affects a nucleotide within the consensus splice site.

Literature cited by the submitters: PubMed 17576681; PubMed 9536098.

NM_201548.5(CERKL):c.1159+5G>A

Gene: CERKL (CERK like autophagy regulator; minus strand). Cytogenetic location: 2q31.3.
Variant type: single nucleotide variant.
Coding change: c.1159+5G>A on transcript NM_201548.5 (MANE Select); 5 bases into the intron after coding-DNA position 1159, G replaced by A.
Molecular consequence: intron variant.
Genome position (GRCh38, 1-based): chr2:181,547,817, C>T on the plus strand (G>A on the coding strand, the complement: CERKL is on the minus strand). VCF-style: chr2-181547817-C-T. GRCh37 (hg19) VCF-style: chr2-182412544-C-T.
Other names: c.820+5G>A (NM_001030312.3); c.1105+5G>A (NM_001160277.2); c.952+5G>A (NM_001030313.3); c.1237+5G>A (NM_001030311.3).
Identifiers: ClinVar variation 1370686 (VCV001370686.6), dbSNP rs1425797409, ClinGen allele CA538110880.